The following is an entry in ClinVar:

NM_000059.4(BRCA2):c.1909+12T>C

Gene: BRCA2 (BRCA2 DNA repair associated; plus strand). Cytogenetic location: 13q13.1.
Variant type: single nucleotide variant.
Coding change: c.1909+12T>C on transcript NM_000059.4 (MANE Select); 12 bases into the intron after coding-DNA position 1909, T replaced by C.
Molecular consequence: intron variant.
Genome position (GRCh38, 1-based): chr13:32,333,399, T>C. VCF-style: chr13-32333399-T-C. GRCh37 (hg19) VCF-style: chr13-32907536-T-C.
Other names: c.1909+12T>C (NM_001432077.1, NM_001406720.1, NM_001406719.1 and 1 more transcripts); c.424+2369T>C (NM_001406722.1).
Identifiers: ClinVar variation 4852579 (VCV004852579.1).
Genomic context (GRCh38, chr13:32,333,399, plus strand): 5'-GAAGCAAATGCTTTTGAAGCACCACTTACATTTGCAAATGCTGATTCAGGTACCTCTGTC[T>C]TTTTTTTTTTGTAAATAGTACATATAGTTTTATAGATGACGATTCCTTCTGTGTTTTTTT-3'

ClinVar aggregate classification (somatic clinical impact): Tier III - Unknown (0 of 4 stars; one submission).

Conditions:
Cervical cancer. Also called: Cervical cancer, somatic; Cancer of cervix; Cervix cancer. Identifiers: MedGen C4048328, MONDO:0002974, OMIM 603956, HP:0030079.

Submission:

Faculté Pluridciplinaire Nador, Université Mohamed Premier
Classification: Tier III - Unknown for Cervical cancer. Review status: no assertion criteria provided. Collection method: research. Allele origin: somatic. Affected: yes.
Comment: The following databases and algorithms are used to annotate and evaluate the impact of the variant in the context of human disease: 1000 genomes, gnomAD, ClinVar, OMIM, dbSNP, NCIB RefSeq Genes, ExAC Gene Constraints, VS-SIFT, VS-PolyPhen2, PhyloP, GERP++, GeneSplicer, MaxEntScan, NNSplice, PWM Splice Predictor.